The following is an entry in ClinVar:

NM_020366.4(RPGRIP1):c.1797G>A (p.Pro599=)

Gene: RPGRIP1 (RPGR interacting protein 1; plus strand). Cytogenetic location: 14q11.2.
Variant type: single nucleotide variant.
Coding change: c.1797G>A on transcript NM_020366.4 (MANE Select); coding-DNA position 1797, G replaced by A.
Protein change: p.Pro599=; no amino-acid change (proline 599 retained).
Molecular consequence: synonymous variant. On other transcripts: intron variant (3).
Genome position (GRCh38, 1-based): chr14:21,324,652, G>A. VCF-style: chr14-21324652-G-A. GRCh37 (hg19) VCF-style: chr14-21792811-G-A.
Other names: c.723G>A, p.Pro241= (NM_001377948.1, NM_001377949.1); c.688+2648G>A (NM_001377523.1, NM_001377950.1); c.190+2648G>A (NM_001377951.1).
Identifiers: ClinVar variation 99812 (VCV000099812.18), dbSNP rs9322965, ClinGen allele CA227907.

ClinVar aggregate classification (germline): Benign. Review status: criteria provided, multiple submitters, no conflicts (2 of 4 stars). 9 submissions from 8 submitters: Benign (6). 3 of the submissions do not count toward it. Last evaluated 2026-02-04.

Conditions:
Cone-rod dystrophy 13 (CORD13). Identifiers: Orphanet 1872, MedGen C2750720, MONDO:0011987, OMIM 608194.
Leber congenital amaurosis 6 (LCA6). Identifiers: Orphanet 65, MedGen C1854260, MONDO:0013446, OMIM 613826.

Allele frequency attached by ClinVar (database versions not stated): 1000 Genomes Project 0.18470; 1000 Genomes Project 30x 0.18473; gnomAD exomes 0.20681 and 0.22985; TOPMed 0.20923; ExAC 0.21258; gnomAD 0.22045 and 0.22187; ESP Exome Variant Server 0.23137.
gnomAD v4.1: 369,137 of 1,613,316 alleles (23%); highest among the groups gnomAD compares: South Asian, 27%; 44,140 homozygotes.

Submissions (9):

Labcorp Genetics (formerly Invitae), Labcorp
Classification: Benign for Leber congenital amaurosis 6; Cone-rod dystrophy 13. Last evaluated: 2026-02-04. Review status: criteria provided, single submitter. Criteria: Invitae Variant Classification Sherloc (09022015). Collection method: clinical testing. Allele origin: germline.

Illumina Laboratory Services, Illumina
Classification: Benign for Cone-rod dystrophy 13. Last evaluated: 2018-01-13. Review status: criteria provided, single submitter. Criteria: ICSL Variant Classification Criteria 13 December 2019. Collection method: clinical testing. Allele origin: germline.
Comment: This variant was observed in the ICSL laboratory as part of a predisposition screen in an ostensibly healthy population. It had not been previously curated by ICSL or reported in the Human Gene Mutation Database (HGMD: prior to June 1st, 2018), and was therefore a candidate for classification through an automated scoring system. Utilizing variant allele frequency, disease prevalence and penetrance estimates, and inheritance mode, an automated score was calculated to assess if this variant is too frequent to cause the disease. Based on the score and internal cut-off values, a variant classified as benign is not then subjected to further curation. The score for this variant resulted in a classification of benign for this disease.

Illumina Laboratory Services, Illumina
Classification: Benign for Leber congenital amaurosis 6. Last evaluated: 2018-01-13. Review status: criteria provided, single submitter. Criteria: ICSL Variant Classification Criteria 13 December 2019. Collection method: clinical testing. Allele origin: germline.
Comment: the same text as in the submission from Illumina Laboratory Services, Illumina above.

GeneDx
Classification: Benign. Last evaluated: 2016-10-21. Review status: criteria provided, single submitter. Criteria: GeneDx Variant Classification (06012015). Collection method: clinical testing. Allele origin: germline. Affected: yes.
Comment: This variant is considered likely benign or benign based on one or more of the following criteria: it is a conservative change, it occurs at a poorly conserved position in the protein, it is predicted to be benign by multiple in silico algorithms, and/or has population frequency not consistent with disease.

Breakthrough Genomics
Classification: Benign. Review status: criteria provided, single submitter. Criteria: ACMG Guidelines, 2015. Collection method: not provided. Allele origin: germline. Inheritance: Autosomal recessive inheritance. Affected: yes.

PreventionGenetics, part of Exact Sciences
Classification: Benign. Review status: criteria provided, single submitter. Criteria: ACMG Guidelines, 2015. Collection method: clinical testing. Allele origin: germline.

Clinical Genetics DNA and cytogenetics Diagnostics Lab, Erasmus MC, Erasmus Medical Center
Classification: Benign. Review status: no assertion criteria provided. Collection method: clinical testing. Allele origin: germline. Affected: yes. Study: VKGL Data-share Consensus. Not counted in ClinVar's aggregate classification.

Joint Genome Diagnostic Labs from Nijmegen and Maastricht, Radboudumc and MUMC+
Classification: Benign. Review status: no assertion criteria provided. Collection method: clinical testing. Allele origin: germline. Affected: yes. Study: VKGL Data-share Consensus. Not counted in ClinVar's aggregate classification.

Retina International
No classification provided. Review status: no classification provided. Collection method: not provided. Allele origin: not provided. Not counted in ClinVar's aggregate classification.